The following is an entry in ClinVar:

NM_024496.4(IRF2BPL):c.2156A>G (p.His719Arg)

Gene: IRF2BPL (interferon regulatory factor 2 binding protein like; minus strand). Cytogenetic location: 14q24.3.
Variant type: single nucleotide variant.
Coding change: c.2156A>G on transcript NM_024496.4 (MANE Select); coding-DNA position 2156, A replaced by G.
Protein change: p.His719Arg; replaces histidine 719 with arginine.
Molecular consequence: missense variant.
Genome position (GRCh38, 1-based): chr14:77,025,637, T>C on the plus strand (A>G on the coding strand, the complement: IRF2BPL is on the minus strand). VCF-style: chr14-77025637-T-C. GRCh37 (hg19) VCF-style: chr14-77491980-T-C.
Other names: short protein forms H719R.
Identifiers: ClinVar variation 3375860 (VCV003375860.1).

ClinVar aggregate classification (germline): Uncertain significance (1 of 4 stars; one submission).

Submission:

GeneDx
Classification: Uncertain significance. Last evaluated: 2024-05-05. Review status: criteria provided, single submitter. Criteria: GeneDx Variant Classification Process June 2021. Collection method: clinical testing. Allele origin: germline. Affected: yes.
Comment: Not observed at significant frequency in large population cohorts (gnomAD); In silico analysis supports that this missense variant has a deleterious effect on protein structure/function; Has not been previously published as pathogenic or benign to our knowledge